The following is an entry in ClinVar:

Conditions:
Long QT syndrome 5 (LQT5). Identifiers: Orphanet 101016, Orphanet 768, MedGen C1867904, MONDO:0013372, OMIM 613695.

Submission:

Roden Lab, Vanderbilt University Medical Center
No classification provided (evidence only). Condition: Long QT syndrome 5. Review status: no classification provided. Collection method: in vitro. Allele origin: not applicable. Functional consequence: Effect on ion channel function.
ClinVar note: "not provided" was previously submitted as the classification for the variant. However, the classification appeared to be based only on an observation of functional data so it was converted to no classification on 2025-07-30.

NM_000219.6(KCNE1):c.149T>G (p.Val50Gly)

Gene: KCNE1 (potassium voltage-gated channel subfamily E regulatory subunit 1; minus strand). Cytogenetic location: 21q22.12.
Variant type: single nucleotide variant.
Coding change: c.149T>G on transcript NM_000219.6 (MANE Select); coding-DNA position 149, T replaced by G.
Protein change: p.Val50Gly; replaces valine 50 with glycine.
Molecular consequence: missense variant.
Genome position (GRCh38, 1-based): chr21:34,449,486, A>C on the plus strand (T>G on the coding strand, the complement: KCNE1 is on the minus strand). VCF-style: chr21-34449486-A-C. GRCh37 (hg19) VCF-style: chr21-35821784-A-C.
Other names: c.149T>G, p.Val50Gly (NM_001127668.4, NM_001127669.4, NM_001127670.4 and 4 more transcripts); short protein forms V50G.
Identifiers: ClinVar variation 3374175 (VCV003374175.2).